The following is an entry in ClinVar:

ClinVar aggregate classification (germline): Uncertain significance (1 of 4 stars; one submission).

Conditions:
RYR1-related disorder. Also called: RYR1-related disorders; RYR1-related condition. Identifiers: MedGen CN239331.

Allele frequency attached by ClinVar (database versions not stated): gnomAD exomes 0.00001 and 0.00002; ExAC 0.00002; TOPMed 0.00002.

Submission:

Labcorp Genetics (formerly Invitae), Labcorp
Classification: Uncertain significance for RYR1-related disorder. Last evaluated: 2022-09-14. Review status: criteria provided, single submitter. Criteria: Invitae Variant Classification Sherloc (09022015). Collection method: clinical testing. Allele origin: germline.
Comment: This sequence change falls in intron 85 of the RYR1 gene. It does not directly change the encoded amino acid sequence of the RYR1 protein. It affects a nucleotide within the consensus splice site. This variant is present in population databases (rs777559751, gnomAD 0.009%). This variant has not been reported in the literature in individuals affected with RYR1-related conditions. ClinVar contains an entry for this variant (Variation ID: 950908). Variants that disrupt the consensus splice site are a relatively common cause of aberrant splicing (PMID: 17576681, 9536098). Algorithms developed to predict the effect of sequence changes on RNA splicing suggest that this variant may create or strengthen a splice site. In summary, the available evidence is currently insufficient to determine the role of this variant in disease. Therefore, it has been classified as a Variant of Uncertain Significance.

Literature cited by the submitters: PubMed 17576681; PubMed 9536098.

NM_000540.3(RYR1):c.11778+5G>A

Gene: RYR1 (ryanodine receptor 1; plus strand). Cytogenetic location: 19q13.2.
Variant type: single nucleotide variant.
Coding change: c.11778+5G>A on transcript NM_000540.3 (MANE Select); 5 bases into the intron after coding-DNA position 11778, G replaced by A.
Molecular consequence: intron variant.
Genome position (GRCh38, 1-based): chr19:38,543,440, G>A. VCF-style: chr19-38543440-G-A. GRCh37 (hg19) VCF-style: chr19-39034080-G-A.
Other names: c.11763+5G>A (NM_001042723.2).
Identifiers: ClinVar variation 950908 (VCV000950908.3), dbSNP rs777559751, ClinGen allele CA057648.